The following is an entry in ClinVar:

ClinVar aggregate classification (germline): Uncertain significance (1 of 4 stars; one submission).

Allele frequency attached by ClinVar (database versions not stated): gnomAD exomes below 0.00001 and 0.00001; ExAC 0.00001; gnomAD 0.00002; TOPMed 0.00002; ESP Exome Variant Server 0.00008.
gnomAD v4.1: 10 of 1,613,220 alleles (0.00062%); highest among the groups gnomAD compares: African/African-American, 0.0053%; no homozygotes.

Submission:

Labcorp Genetics (formerly Invitae), Labcorp
Classification: Uncertain significance. Last evaluated: 2025-10-16. Review status: criteria provided, single submitter. Criteria: Invitae Variant Classification Sherloc (09022015). Collection method: clinical testing. Allele origin: germline.
Comment: This sequence change replaces lysine, which is basic and polar, with glutamic acid, which is acidic and polar, at codon 613 of the HMCN1 protein (p.Lys613Glu). This variant is present in population databases (rs376173618, gnomAD 0.007%). This variant has not been reported in the literature in individuals affected with HMCN1-related conditions. ClinVar contains an entry for this variant (Variation ID: 1408108). An algorithm developed to predict the effect of missense changes on protein structure and function (PolyPhen-2) suggests that this variant is likely to be tolerated. In summary, the available evidence is currently insufficient to determine the role of this variant in disease. Therefore, it has been classified as a Variant of Uncertain Significance.

NM_031935.3(HMCN1):c.1837A>G (p.Lys613Glu)

Gene: HMCN1 (hemicentin 1; plus strand). Cytogenetic location: 1q31.1.
Variant type: single nucleotide variant.
Coding change: c.1837A>G on transcript NM_031935.3 (MANE Select); coding-DNA position 1837, A replaced by G.
Protein change: p.Lys613Glu; replaces lysine 613 with glutamic acid.
Molecular consequence: missense variant.
Genome position (GRCh38, 1-based): chr1:185,962,526, A>G. VCF-style: chr1-185962526-A-G. GRCh37 (hg19) VCF-style: chr1-185931658-A-G.
Other names: short protein forms K613E.
Identifiers: ClinVar variation 1408108 (VCV001408108.6), dbSNP rs376173618, ClinGen allele CA1291229.